The following is an entry in ClinVar:

NM_005097.4(LGI1):c.504-1G>T

Gene: LGI1 (leucine rich glioma inactivated 1; plus strand). Cytogenetic location: 10q23.33.
Variant type: single nucleotide variant.
Coding change: c.504-1G>T on transcript NM_005097.4 (MANE Select); the canonical splice acceptor site of the intron before coding-DNA position 504, G replaced by T.
Molecular consequence: splice acceptor variant.
Genome position (GRCh38, 1-based): chr10:93,792,742, G>T. VCF-style: chr10-93792742-G-T. GRCh37 (hg19) VCF-style: chr10-95552499-G-T.
Other names: c.504-1G>T (NM_001308275.2); c.360-1G>T (NM_001308276.2).
Identifiers: ClinVar variation 571017 (VCV000571017.10), dbSNP rs1564851314, ClinGen allele CA377623186.

ClinVar aggregate classification (germline): Likely pathogenic. Review status: criteria provided, multiple submitters, no conflicts (2 of 4 stars). 2 submissions from 2 submitters: Likely pathogenic (2). Last evaluated 2024-07-26.

Conditions:
Inborn genetic diseases. Identifiers: MedGen C0950123, MeSH D030342.
Autosomal dominant epilepsy with auditory features. Identifiers: Orphanet 101046, MedGen C1838062, MONDO:0010898.

Submissions (2):

Labcorp Genetics (formerly Invitae), Labcorp
Classification: Likely pathogenic for Autosomal dominant epilepsy with auditory features. Last evaluated: 2024-07-26. Review status: criteria provided, single submitter. Criteria: Invitae Variant Classification Sherloc (09022015). Collection method: clinical testing. Allele origin: germline.
Comment: This sequence change affects an acceptor splice site in intron 5 of the LGI1 gene. It is expected to disrupt RNA splicing. Variants that disrupt the donor or acceptor splice site typically lead to a loss of protein function (PMID: 16199547), and loss-of-function variants in LGI1 are known to be pathogenic (PMID: 24206907). This variant is not present in population databases (gnomAD no frequency). This variant has not been reported in the literature in individuals affected with LGI1-related conditions. ClinVar contains an entry for this variant (Variation ID: 571017). Algorithms developed to predict the effect of sequence changes on RNA splicing suggest that this variant may disrupt the consensus splice site. In summary, the currently available evidence indicates that the variant is pathogenic, but additional data are needed to prove that conclusively. Therefore, this variant has been classified as Likely Pathogenic.

Ambry Genetics
Classification: Likely pathogenic for Inborn genetic diseases. Last evaluated: 2017-09-26. Review status: criteria provided, single submitter. Criteria: Ambry Variant Classification Scheme 2023. Collection method: clinical testing. Allele origin: germline.
Comment: The c.504-1G>T intronic variant results from a G to T substitution one nucleotide upstream from coding exon 6 of the LGI1 gene. This nucleotide position is highly conserved in available vertebrate species. Using the BDGP and ESEfinder splice site prediction tools, this alteration is predicted to abolish the native splice acceptor site; however, direct evidence is unavailable. Alterations that disrupt the canonical splice site are expected to cause aberrant splicing, resulting in an abnormal protein or a transcript that is subject to nonsense-mediated mRNA decay. As such, this alteration is classified as likely pathogenic.

Literature cited by the submitters: PubMed 16199547 (cited by Labcorp Genetics (formerly Invitae), Labcorp); PubMed 24206907 (cited by Labcorp Genetics (formerly Invitae), Labcorp).